The following is an entry in ClinVar:

NM_003839.4(TNFRSF11A):c.338C>G (p.Ala113Gly)

Gene: TNFRSF11A (TNF receptor superfamily member 11a; plus strand). Cytogenetic location: 18q21.33.
Variant type: single nucleotide variant.
Coding change: c.338C>G on transcript NM_003839.4 (MANE Select); coding-DNA position 338, C replaced by G.
Protein change: p.Ala113Gly; replaces alanine 113 with glycine.
Molecular consequence: missense variant.
Genome position (GRCh38, 1-based): chr18:62,354,445, C>G. VCF-style: chr18-62354445-C-G. GRCh37 (hg19) VCF-style: chr18-60021678-C-G.
Other names: c.338C>G, p.Ala113Gly (NM_001270949.2, NM_001270950.2, NM_001270951.2 and 1 more transcripts); short protein forms A113G.
Identifiers: ClinVar variation 1363161 (VCV001363161.8), dbSNP rs1909092200, ClinGen allele CA402612183.

ClinVar aggregate classification (germline): Uncertain significance (1 of 4 stars; one submission).

Allele frequency attached by ClinVar (database versions not stated): gnomAD 0.00001.
gnomAD v4.1: 2 of 1,599,464 alleles (0.00013%); highest among the groups gnomAD compares: Admixed American, 0.0033%; no homozygotes.

Submission:

Labcorp Genetics (formerly Invitae), Labcorp
Classification: Uncertain significance. Last evaluated: 2024-09-06. Review status: criteria provided, single submitter. Criteria: Invitae Variant Classification Sherloc (09022015). Collection method: clinical testing. Allele origin: germline.
Comment: This sequence change replaces alanine, which is neutral and non-polar, with glycine, which is neutral and non-polar, at codon 113 of the TNFRSF11A protein (p.Ala113Gly). This variant is not present in population databases (gnomAD no frequency). This variant has not been reported in the literature in individuals affected with TNFRSF11A-related conditions. ClinVar contains an entry for this variant (Variation ID: 1363161). Invitae Evidence Modeling of protein sequence and biophysical properties (such as structural, functional, and spatial information, amino acid conservation, physicochemical variation, residue mobility, and thermodynamic stability) indicates that this missense variant is expected to disrupt TNFRSF11A protein function with a positive predictive value of 80%. In summary, the available evidence is currently insufficient to determine the role of this variant in disease. Therefore, it has been classified as a Variant of Uncertain Significance.